The following is an entry in ClinVar:

NM_000059.4(BRCA2):c.1575T>C (p.Thr525=)

Gene: BRCA2 (BRCA2 DNA repair associated; plus strand). Cytogenetic location: 13q13.1.
Variant type: single nucleotide variant.
Coding change: c.1575T>C on transcript NM_000059.4 (MANE Select); coding-DNA position 1575, T replaced by C.
Protein change: p.Thr525=; no amino-acid change (threonine 525 retained).
Molecular consequence: synonymous variant.
Genome position (GRCh38, 1-based): chr13:32,333,053, T>C. VCF-style: chr13-32333053-T-C. GRCh37 (hg19) VCF-style: chr13-32907190-T-C.
Identifiers: ClinVar variation 515894 (VCV000515894.1), dbSNP rs1555281957, ClinGen allele CA483436964.

ClinVar aggregate classification (germline): Likely benign (1 of 4 stars; one submission).

Submission:

GeneDx
Classification: Likely benign. Last evaluated: 2018-02-27. Review status: criteria provided, single submitter. Criteria: GeneDx Variant Classification (06012015). Collection method: clinical testing. Allele origin: germline. Affected: yes.
Comment: This variant is considered likely benign or benign based on one or more of the following criteria: it is a conservative change, it occurs at a poorly conserved position in the protein, it is predicted to be benign by multiple in silico algorithms, and/or has population frequency not consistent with disease.